The following is an entry in ClinVar:

NM_020937.4(FANCM):c.5808C>T (p.Ser1936=)

Gene: FANCM (FA complementation group M; plus strand). Cytogenetic location: 14q21.2.
Variant type: single nucleotide variant.
Coding change: c.5808C>T on transcript NM_020937.4 (MANE Select); coding-DNA position 5808, C replaced by T.
Protein change: p.Ser1936=; no amino-acid change (serine 1936 retained).
Molecular consequence: synonymous variant.
Genome position (GRCh38, 1-based): chr14:45,198,735, C>T. VCF-style: chr14-45198735-C-T. GRCh37 (hg19) VCF-style: chr14-45667938-C-T.
Other names: c.5730C>T, p.Ser1910= (NM_001308133.2); c.5808C>T (LRG_502t1).
Identifiers: ClinVar variation 456278 (VCV000456278.33), dbSNP rs142333130, ClinGen allele CA7170072.

ClinVar aggregate classification (germline): Benign/Likely benign. Review status: criteria provided, multiple submitters, no conflicts (2 of 4 stars). 11 submissions from 11 submitters: Benign (4); Likely benign (6). 1 of the submissions does not count toward it. Last evaluated 2026-10-01.

Conditions:
Premature ovarian failure 15. Identifiers: MedGen C4748170, MONDO:0054862, OMIM 618096.
Inborn genetic diseases. Identifiers: MedGen C0950123, MeSH D030342.
FANCM-related disorder. Also called: FANCM-related condition.
Spermatogenic failure 28. Identifiers: MedGen C4748117, MONDO:0054732, OMIM 618086.
Hereditary cancer-predisposing syndrome. Also called: Hereditary neoplastic syndrome; Tumor predisposition; Neoplastic Syndromes, Hereditary; Hereditary Cancer Syndrome. Identifiers: Orphanet 140162, MedGen C0027672, MeSH D009386, MONDO:0015356.
Fanconi anemia (FA). Also called: Fanconi's anemia. Identifiers: Orphanet 84, MedGen C0015625, MeSH D005199, MONDO:0019391.

Allele frequency attached by ClinVar (database versions not stated): ESP Exome Variant Server 0.00115; gnomAD 0.00173 and 0.00178; TOPMed 0.00192; 1000 Genomes Project 30x 0.00250; 1000 Genomes Project 0.00260; gnomAD exomes 0.00017 and 0.00050; ExAC 0.00061.
gnomAD v4.1: 523 of 1,613,942 alleles (0.032%); highest among the groups gnomAD compares: African/African-American, 0.59%; 3 homozygotes.

Submissions (11):

CeGaT Center for Human Genetics Tuebingen
Classification: Likely benign. Last evaluated: 2026-10-01. Review status: criteria provided, single submitter. Criteria: CeGaT Center For Human Genetics Tuebingen Variant Classification Criteria Version 2. Collection method: clinical testing. Allele origin: germline. Affected: yes. Observed: 4 variant alleles.
Comment: FANCM: BP4, BP7

Labcorp Genetics (formerly Invitae), Labcorp
Classification: Benign for Fanconi anemia. Last evaluated: 2026-01-19. Review status: criteria provided, single submitter. Criteria: Invitae Variant Classification Sherloc (09022015). Collection method: clinical testing. Allele origin: germline.

Quest Diagnostics Nichols Institute San Juan Capistrano
Classification: Benign. Last evaluated: 2025-08-29. Review status: criteria provided, single submitter. Criteria: Quest Diagnostics criteria. Collection method: clinical testing. Allele origin: unknown.

Blueprint Genetics
Classification: Likely benign. Last evaluated: 2024-11-13. Review status: criteria provided, single submitter. Criteria: ACMG Guidelines, 2015. Collection method: clinical testing. Allele origin: germline.

Ambry Genetics
Classification: Likely benign for Inborn genetic diseases. Last evaluated: 2024-10-04. Review status: criteria provided, single submitter. Criteria: Ambry Variant Classification Scheme 2023. Collection method: clinical testing. Allele origin: germline.

KCCC/NGS Laboratory, Kuwait Cancer Control Center
Classification: Benign for Premature ovarian failure 15. Last evaluated: 2023-07-07. Review status: criteria provided, single submitter. Criteria: ACMG Guidelines, 2015. Collection method: clinical testing. Allele origin: germline. Affected: yes.

Fulgent Genetics
Classification: Likely benign for Spermatogenic failure 28; Premature ovarian failure 15. Last evaluated: 2021-09-17. Review status: criteria provided, single submitter. Criteria: ACMG Guidelines, 2015. Collection method: clinical testing. Allele origin: unknown.

GeneDx
Classification: Likely benign. Last evaluated: 2020-12-29. Review status: criteria provided, single submitter. Criteria: GeneDx Variant Classification Process June 2021. Collection method: clinical testing. Allele origin: germline. Affected: yes.

Sema4
Classification: Benign for Hereditary cancer-predisposing syndrome. Last evaluated: 2020-10-09. Review status: criteria provided, single submitter. Criteria: Sema4 Curation Guidelines. Collection method: curation. Allele origin: germline.

Genetic Services Laboratory, University of Chicago
Classification: Likely benign. Last evaluated: 2020-07-15. Review status: criteria provided, single submitter. Criteria: ACMG Guidelines, 2015. Collection method: clinical testing. Allele origin: germline. Affected: no.

PreventionGenetics, part of Exact Sciences
Classification: Likely benign for FANCM-related condition. Last evaluated: 2019-06-14. Review status: no assertion criteria provided. Collection method: clinical testing. Allele origin: germline. Not counted in ClinVar's aggregate classification.
Comment: This variant is classified as likely benign based on ACMG/AMP sequence variant interpretation guidelines (Richards et al. 2015 PMID: 25741868, with internal and published modifications).